The following is an entry in ClinVar:

ClinVar aggregate classification (germline): Likely benign. Review status: criteria provided, single submitter (1 of 4 stars). 2 submissions from 2 submitters: Likely benign (1). 1 of the submissions does not count toward it. Last evaluated 2025-09-08.

Conditions:
ACAN-related disorder. Also called: ACAN-related disorders; ACAN-related condition.

Allele frequency attached by ClinVar (database versions not stated): gnomAD exomes 0.00001 and 0.00002; ExAC 0.00002; ESP Exome Variant Server 0.00008; TOPMed 0.00012; gnomAD 0.00014 and 0.00016.
gnomAD v4.1: 39 of 1,612,332 alleles (0.0024%); highest among the groups gnomAD compares: African/African-American, 0.051%; no homozygotes.

Submissions (2):

Labcorp Genetics (formerly Invitae), Labcorp
Classification: Likely benign. Last evaluated: 2025-09-08. Review status: criteria provided, single submitter. Criteria: Invitae Variant Classification Sherloc (09022015). Collection method: clinical testing. Allele origin: germline.

PreventionGenetics, part of Exact Sciences
Classification: Likely benign for ACAN-related condition. Last evaluated: 2019-09-17. Review status: no assertion criteria provided. Collection method: clinical testing. Allele origin: germline. Not counted in ClinVar's aggregate classification.
Comment: This variant is classified as likely benign based on ACMG/AMP sequence variant interpretation guidelines (Richards et al. 2015 PMID: 25741868, with internal and published modifications).

NM_001369268.1(ACAN):c.2121T>C (p.Pro707=)

Gene: ACAN (aggrecan; plus strand). Cytogenetic location: 15q26.1.
Variant type: single nucleotide variant.
Coding change: c.2121T>C on transcript NM_001369268.1 (MANE Select); coding-DNA position 2121, T replaced by C.
Protein change: p.Pro707=; no amino-acid change (proline 707 retained).
Molecular consequence: synonymous variant.
Genome position (GRCh38, 1-based): chr15:88,851,888, T>C. VCF-style: chr15-88851888-T-C. GRCh37 (hg19) VCF-style: chr15-89395119-T-C.
Other names: c.2121T>C, p.Pro707= (NM_001135.4, NM_013227.4); c.2121T>C (NM_013227.3).
Identifiers: ClinVar variation 1658128 (VCV001658128.9), dbSNP rs377172993, ClinGen allele CA7719801.